The following is an entry in ClinVar:

ClinVar aggregate classification (germline): Uncertain significance. Review status: criteria provided, multiple submitters, no conflicts (2 of 4 stars). 2 submissions from 2 submitters: Uncertain significance (2). Last evaluated 2026-03-29.

Conditions:
Familial thoracic aortic aneurysm and aortic dissection (TAAD). Also called: Thoracic aortic aneurysms and dissections. Identifiers: Orphanet 91387, MedGen C4707243, MONDO:0019625.

Allele frequency attached by ClinVar (database versions not stated): TOPMed below 0.00001.
gnomAD v4.1: 2 of 1,614,074 alleles (0.00012%); highest among the groups gnomAD compares: Non-Finnish European, 0.00017%; no homozygotes.

Submissions (2):

Ambry Genetics
Classification: Uncertain significance for Familial thoracic aortic aneurysm and aortic dissection. Last evaluated: 2026-03-29. Review status: criteria provided, single submitter. Criteria: Ambry Variant Classification Scheme 2023. Collection method: clinical testing. Allele origin: germline.
Comment: The p.P914L variant (also known as c.2741C>T), located in coding exon 33 of the COL5A1 gene, results from a C to T substitution at nucleotide position 2741. The proline at codon 914 is replaced by leucine, an amino acid with similar properties. This amino acid position is conserved. In addition, the in silico prediction for this alteration is inconclusive. Based on the available evidence, the clinical significance of this variant remains unclear.

GeneDx
Classification: Uncertain significance. Last evaluated: 2024-05-24. Review status: criteria provided, single submitter. Criteria: GeneDx Variant Classification Process June 2021. Collection method: clinical testing. Allele origin: germline. Affected: yes.
Comment: Has not been previously published as pathogenic or benign to our knowledge; Not observed at significant frequency in large population cohorts (gnomAD); In silico analysis supports that this missense variant has a deleterious effect on protein structure/function; Occurs in the triple helical domain at the X position in the canonical Gly-X-Y repeat; although this variant may have an effect on normal protein folding and function, missense substitution at the X position is not a common mechanism of disease (PMID: 22696272; HGMD); This variant is associated with the following publications: (PMID: 22696272)

NM_000093.5(COL5A1):c.2741C>T (p.Pro914Leu)

Gene: COL5A1 (collagen type V alpha 1 chain; plus strand). Cytogenetic location: 9q34.3.
Variant type: single nucleotide variant.
Coding change: c.2741C>T on transcript NM_000093.5 (MANE Select); coding-DNA position 2741, C replaced by T.
Protein change: p.Pro914Leu; replaces proline 914 with leucine.
Molecular consequence: missense variant.
Genome position (GRCh38, 1-based): chr9:134,795,122, C>T. VCF-style: chr9-134795122-C-T. GRCh37 (hg19) VCF-style: chr9-137686968-C-T.
Other names: c.2741C>T, p.Pro914Leu (NM_001278074.1); short protein forms P914L.
Identifiers: ClinVar variation 1710811 (VCV001710811.4), dbSNP rs1837850648, ClinGen allele CA375456529.